The following is an entry in ClinVar:

ClinVar aggregate classification (germline): Pathogenic (1 of 4 stars; one submission).

Conditions:
Developmental and epileptic encephalopathy, 9 (DEE9). Also called: Early infantile epileptic encephalopathy 9; EPILEPSY, FEMALE-RESTRICTED, WITH MENTAL RETARDATION; JUBERG-HELLMAN SYNDROME; PCDH19-Related X-Linked Female-Limited Epilepsy with Mental Retardation. Identifiers: Orphanet 101039, Orphanet 2076, MedGen C1848137, MONDO:0010246, OMIM 300088. Disease mechanism: loss of function.

Submission:

Labcorp Genetics (formerly Invitae), Labcorp
Classification: Pathogenic for Developmental and epileptic encephalopathy, 9. Last evaluated: 2022-10-15. Review status: criteria provided, single submitter. Criteria: Invitae Variant Classification Sherloc (09022015). Collection method: clinical testing. Allele origin: germline.
Comment: A gross deletion of the genomic region encompassing the full coding sequence of the PCDH19 gene has been identified. Loss-of-function variants in PCDH19 are known to be pathogenic (PMID: 21053371). The boundaries of this event are unknown as they extend beyond the assayed region for this gene and therefore may encompass additional genes. A similar copy number variant has been observed in individual(s) with epileptic encephalopathy (PMID: 23712037, 27179713, 29377098). In at least one individual the variant was observed to be de novo. For these reasons, this variant has been classified as Pathogenic.

Literature cited by the submitters: PubMed 21053371; PubMed 23712037; PubMed 27179713; PubMed 29377098.

NC_000023.10:g.(?_99551275)_(100099087_?)del

Genes: CSTF2 (cleavage stimulation factor subunit 2; plus strand), NOX1 (NADPH oxidase 1; minus strand), PCDH19 (protocadherin 19; minus strand), SRPX2 (sushi repeat containing protein X-linked 2; plus strand), SYTL4 (synaptotagmin like 4; minus strand) and 2 more. Cytogenetic location: Xq22.1.
Variant type: Deletion.
Identifiers: ClinVar variation 2423943 (VCV002423943.5).